The following is an entry in ClinVar:

ClinVar aggregate classification (germline): Likely benign (1 of 4 stars; one submission).

Allele frequency attached by ClinVar (database versions not stated): gnomAD exomes 0.00001; ExAC 0.00002; gnomAD 0.00002; 1000 Genomes Project 30x 0.00021; 1000 Genomes Project 0.00026.
gnomAD v4.1: 20 of 1,210,676 alleles (0.0017%); highest among the groups gnomAD compares: Middle Eastern, 0.023%; no homozygotes.

Submission:

CeGaT Center for Human Genetics Tuebingen
Classification: Likely benign. Last evaluated: 2022-05-01. Review status: criteria provided, single submitter. Criteria: CeGaT Center For Human Genetics Tuebingen Variant Classification Criteria Version 2. Collection method: clinical testing. Allele origin: germline. Affected: yes. Observed: 1 variant allele.
Comment: ARHGAP4: BP4, BP7

NM_001666.5(ARHGAP4):c.1242C>G (p.Leu414=)

Gene: ARHGAP4 (Rho GTPase activating protein 4; minus strand). Cytogenetic location: Xq28.
Variant type: single nucleotide variant.
Coding change: c.1242C>G on transcript NM_001666.5 (MANE Select); coding-DNA position 1242, C replaced by G.
Protein change: p.Leu414=; no amino-acid change (leucine 414 retained).
Molecular consequence: synonymous variant.
Genome position (GRCh38, 1-based): chrX:153,913,493, G>C on the plus strand (C>G on the coding strand, the complement: ARHGAP4 is on the minus strand). VCF-style: chrX-153913493-G-C. GRCh37 (hg19) VCF-style: chrX-153178947-G-C.
Other names: c.1362C>G, p.Leu454= (NM_001164741.2).
Identifiers: ClinVar variation 2661755 (VCV002661755.24), dbSNP rs201645356, ClinGen allele CA10555761.
Genomic context (GRCh38, chrX:153,913,493, plus strand): 5'-CTGCTGCTGGCCGCGCCTCCGGCCCGCCTGCCGGCTGCCTGGGTCTGAGCTGGTGGACTT[G>C]AGGGACTCGGTGGAGGGGCTGGTCTGGAAGGAATCAAGCACATCCCCGTCATCCGAGGCC-3'
Protein context (NP_001657.3, residues 404-424): SFQTSPSTES[Leu414=]KSTSSDPGSR